The following is an entry in ClinVar:

NM_173076.3(ABCA12):c.859C>T (p.Arg287Ter)

Gene: ABCA12 (ATP binding cassette subfamily A member 12; minus strand). Cytogenetic location: 2q35.
Variant type: single nucleotide variant.
Coding change: c.859C>T on transcript NM_173076.3 (MANE Select); coding-DNA position 859, C replaced by T.
Protein change: p.Arg287Ter; replaces arginine 287 with a stop codon.
Molecular consequence: nonsense. On other transcripts: non-coding transcript variant (1).
Genome position (GRCh38, 1-based): chr2:215,045,850, G>A on the plus strand (C>T on the coding strand, the complement: ABCA12 is on the minus strand). VCF-style: chr2-215045850-G-A. GRCh37 (hg19) VCF-style: chr2-215910574-G-A.
Other names: short protein forms R287*.
Identifiers: ClinVar variation 264999 (VCV000264999.11), dbSNP rs11891778, ClinGen allele CA10588336.

ClinVar aggregate classification (germline): Pathogenic. Review status: criteria provided, multiple submitters, no conflicts (2 of 4 stars). 5 submissions from 5 submitters: Pathogenic (3). 2 of the submissions do not count toward it. Last evaluated 2024-05-16.

Conditions:
Autosomal recessive congenital ichthyosis 4A (LI2). Also called: ICHTHYOSIS CONGENITA IIB. Identifiers: Orphanet 313, MedGen C1832550, MONDO:0011026, OMIM 601277.
Autosomal recessive congenital ichthyosis 4B (ARCI4B). Also called: ICHTHYOSIS CONGENITA, HARLEQUIN FETUS TYPE; HARLEQUIN ICHTHYOSIS; Ichthyosis, congenital, autosomal recessive 4B (harlequin); Harlequin Fetus. Identifiers: Orphanet 457, MedGen C0598226, MONDO:0009443, OMIM 242500.

gnomAD v4.1: 4 of 1,612,798 alleles (0.00025%); highest among the groups gnomAD compares: South Asian, 0.0011%; no homozygotes.

Submissions (5):

GeneDx
Classification: Pathogenic. Last evaluated: 2024-05-16. Review status: criteria provided, single submitter. Criteria: GeneDx Variant Classification Process June 2021. Collection method: clinical testing. Allele origin: germline. Affected: yes.
Comment: Nonsense variant predicted to result in protein truncation or nonsense mediated decay in a gene for which loss-of-function is a known mechanism of disease; Not observed at significant frequency in large population cohorts (gnomAD); This variant is associated with the following publications: (PMID: 30916489, 25525159, 29880184, 19664001)

Fulgent Genetics
Classification: Pathogenic for Autosomal recessive congenital ichthyosis 4B; Autosomal recessive congenital ichthyosis 4A. Last evaluated: 2023-12-20. Review status: criteria provided, single submitter. Criteria: ACMG Guidelines, 2015. Collection method: clinical testing. Allele origin: germline.

Labcorp Genetics (formerly Invitae), Labcorp
Classification: Pathogenic. Last evaluated: 2023-02-16. Review status: criteria provided, single submitter. Criteria: Invitae Variant Classification Sherloc (09022015). Collection method: clinical testing. Allele origin: germline.
Comment: This sequence change creates a premature translational stop signal (p.Arg287*) in the ABCA12 gene. It is expected to result in an absent or disrupted protein product. Loss-of-function variants in ABCA12 are known to be pathogenic (PMID: 20672373). The frequency data for this variant in the population databases is considered unreliable, as metrics indicate poor data quality at this position in the gnomAD database. This premature translational stop signal has been observed in individual(s) with congenital ichthyosis (PMID: 19664001, 29880184). ClinVar contains an entry for this variant (Variation ID: 264999). Algorithms developed to predict the effect of sequence changes on RNA splicing suggest that this variant may disrupt the consensus splice site. For these reasons, this variant has been classified as Pathogenic.

Foundation for Research in Genetics and Endocrinology, FRIGE's Institute of Human Genetics
Classification: Likely pathogenic for Autosomal recessive congenital ichthyosis 4A. Last evaluated: 2018-08-13. Review status: no assertion criteria provided. Collection method: clinical testing. Allele origin: germline. Inheritance: Autosomal recessive inheritance. Affected: yes. Observed: 1 compound heterozygote. Not counted in ClinVar's aggregate classification.
Comment: The observed variant c.859C>T (p.Arg287Ter) has not been reported in 1000 Genomes and ExAC databases. The in silico prediction of the given variant is disease causing by MutationTaster2.

OMIM
Classification: Pathogenic for ICHTHYOSIS, CONGENITAL, AUTOSOMAL RECESSIVE 4B. Last evaluated: 2009-10-01. Review status: no assertion criteria provided. Collection method: literature only. Allele origin: germline. Not counted in ClinVar's aggregate classification.

Literature cited by the submitters: PubMed 20672373 (cited by Labcorp Genetics (formerly Invitae), Labcorp); PubMed 19664001 (cited by Labcorp Genetics (formerly Invitae), Labcorp and OMIM); PubMed 29880184 (cited by Labcorp Genetics (formerly Invitae), Labcorp).